The following is an entry in ClinVar:

NM_004370.6(COL12A1):c.5097+6T>A

Gene: COL12A1 (collagen type XII alpha 1 chain; minus strand). Cytogenetic location: 6q13.
Variant type: single nucleotide variant.
Coding change: c.5097+6T>A on transcript NM_004370.6 (MANE Select); 6 bases into the intron after coding-DNA position 5097, T replaced by A.
Molecular consequence: intron variant.
Genome position (GRCh38, 1-based): chr6:75,138,816, A>T on the plus strand (T>A on the coding strand, the complement: COL12A1 is on the minus strand). VCF-style: chr6-75138816-A-T. GRCh37 (hg19) VCF-style: chr6-75848532-A-T.
Other names: c.1605+6T>A (NM_080645.3).
Identifiers: ClinVar variation 2172191 (VCV002172191.6), dbSNP rs200486517, ClinGen allele CA140997717.

ClinVar aggregate classification (germline): Uncertain significance. Review status: criteria provided, multiple submitters, no conflicts (2 of 4 stars). 3 submissions from 3 submitters: Uncertain significance (3). Last evaluated 2026-02-03.

Conditions:
Ullrich congenital muscular dystrophy 2 (UCMD2). Identifiers: Orphanet 75840, MedGen C4225314, MONDO:0014654, OMIM 616470.
Bethlem myopathy 2 (BTHLM2). Identifiers: Orphanet 536516, Orphanet 610, MedGen C4225313, MONDO:0034022, OMIM 616471.

Allele frequency attached by ClinVar (database versions not stated): gnomAD exomes 0.00001; TOPMed 0.00001.
gnomAD v4.1: 12 of 1,613,734 alleles (0.00074%); highest among the groups gnomAD compares: Non-Finnish European, 0.001%; no homozygotes.

Submissions (3):

Labcorp Genetics (formerly Invitae), Labcorp
Classification: Uncertain significance for Bethlem myopathy 2; Ullrich congenital muscular dystrophy 2. Last evaluated: 2026-02-03. Review status: criteria provided, single submitter. Criteria: Invitae Variant Classification Sherloc (09022015). Collection method: clinical testing. Allele origin: germline.
Comment: This sequence change falls in intron 28 of the COL12A1 gene. It does not directly change the encoded amino acid sequence of the COL12A1 protein. It affects a nucleotide within the consensus splice site. This variant is not present in population databases (gnomAD no frequency). This variant has not been reported in the literature in individuals affected with COL12A1-related conditions. ClinVar contains an entry for this variant (Variation ID: 2172191). Variants that disrupt the consensus splice site are a relatively common cause of aberrant splicing (PMID: 17576681, 9536098). Algorithms developed to predict the effect of sequence changes on RNA splicing suggest that this variant is not likely to affect RNA splicing. In summary, the available evidence is currently insufficient to determine the role of this variant in disease. Therefore, it has been classified as a Variant of Uncertain Significance.

Women's Health and Genetics/Laboratory Corporation of America, LabCorp
Classification: Uncertain significance. Last evaluated: 2025-12-29. Review status: criteria provided, single submitter. Criteria: LabCorp Variant Classification Summary - May 2015. Collection method: clinical testing. Allele origin: germline.
Comment: Variant summary: COL12A1 c.5097+6T>A alters a nucleotide located close to a canonical splice site and therefore could affect mRNA splicing, leading to a significantly altered protein sequence. Several computational tools predict a significant impact on normal splicing: Two predict the variant abolishes a 5' splicing donor site. One predict the variant weakens a 5' donor site. However, these predictions have yet to be confirmed by functional studies. The variant was absent in 248324 control chromosomes. The available data on variant occurrences in the general population are insufficient to allow any conclusion about variant significance. To our knowledge, no occurrence of c.5097+6T>A in individuals affected with COL12A1-related conditions and no experimental evidence demonstrating its impact on protein function have been reported. ClinVar contains an entry for this variant (Variation ID: 2172191). Based on the evidence outlined above, the variant was classified as uncertain significance.

Blueprint Genetics
Classification: Uncertain significance. Last evaluated: 2020-02-07. Review status: criteria provided, single submitter. Criteria: ACMG Guidelines, 2015. Collection method: clinical testing. Allele origin: germline.

Literature cited by the submitters: PubMed 17576681 (cited by Labcorp Genetics (formerly Invitae), Labcorp); PubMed 9536098 (cited by Labcorp Genetics (formerly Invitae), Labcorp).